The following is an entry in ClinVar:

NM_007294.4(BRCA1):c.4191G>T (p.Arg1397Ser)

Gene: BRCA1 (BRCA1 DNA repair associated; minus strand). Cytogenetic location: 17q21.31.
Variant type: single nucleotide variant.
Coding change: c.4191G>T on transcript NM_007294.4 (MANE Select); coding-DNA position 4191, G replaced by T.
Protein change: p.Arg1397Ser; replaces arginine 1397 with serine.
Molecular consequence: missense variant. On other transcripts: non-coding transcript variant (1).
Genome position (GRCh38, 1-based): chr17:43,082,570, C>A on the plus strand (G>T on the coding strand, the complement: BRCA1 is on the minus strand). VCF-style: chr17-43082570-C-A. GRCh37 (hg19) VCF-style: chr17-41234587-C-A.
Other names: c.4188G>T, p.Arg1396Ser (NM_001407638.1, NM_001407640.1, NM_001407639.1 and 21 more transcripts); c.672G>T, p.Arg224Ser (NM_001408514.1, NM_001408478.1, NM_001408479.1 and 6 more transcripts); c.4050G>T, p.Arg1350Ser (NM_007297.4, NM_001407692.1, NM_001407694.1 and 23 more transcripts); c.882G>T, p.Arg294Ser (NM_007298.4, NM_007299.4, NM_007304.2 and 9 more transcripts); c.4191G>T, p.Arg1397Ser (NM_007300.4, NM_001407617.1, NM_001407618.1 and 23 more transcripts); c.4185G>T, p.Arg1395Ser (NM_001407627.1, NM_001407628.1, NM_001407629.1 and 5 more transcripts); c.4179G>T, p.Arg1393Ser (NM_001407646.1, NM_001407647.1); c.4068G>T, p.Arg1356Ser (NM_001407648.1, NM_001407664.1, NM_001407665.1 and 13 more transcripts); and 51 more; short protein forms R1308S, R1356S, R1397S, R167S, R183S, R184S, R205S, R214S.
Identifiers: ClinVar variation 1738577 (VCV001738577.2), dbSNP rs1555584270, ClinGen allele CA10593337.

ClinVar aggregate classification (germline): Uncertain significance (1 of 4 stars; one submission).

Conditions:
Hereditary cancer-predisposing syndrome. Also called: Hereditary Cancer Syndrome; Hereditary neoplastic syndrome; Neoplastic Syndromes, Hereditary; Tumor predisposition. Identifiers: Orphanet 140162, MedGen C0027672, MeSH D009386, MONDO:0015356.

Submission:

Ambry Genetics
Classification: Uncertain significance for Hereditary cancer-predisposing syndrome. Last evaluated: 2015-12-08. Review status: criteria provided, single submitter. Criteria: Ambry Variant Classification Scheme 2023. Collection method: clinical testing. Allele origin: germline.
Comment: The p.R1397S variant (also known as c.4191G>T), located in coding exon 11 of the BRCA1 gene, results from a G to T substitution at nucleotide position 4191. The arginine at codon 1397 is replaced by serine, an amino acid with dissimilar properties. This variant was not reported in population based cohorts in the following databases: Database of Single Nucleotide Polymorphisms (dbSNP), NHLBI Exome Sequencing Project (ESP), and 1000 Genomes Project. In the ESP, this variant was not observed in 6503 samples (13006 alleles) with coverage at this position. To date, this alteration has been detected with an allele frequency of approximately 0.0004% (greater than 225000 alleles tested) in our clinical cohort. This amino acid position is not well conserved in available vertebrate species. In addition, this alteration is predicted to be deleterious by in silico analysis. Since supporting evidence is limited at this time, the clinical significance of p.R1397S remains unclear.